The following is an entry in ClinVar:

ClinVar aggregate classification (germline): Uncertain significance. Review status: criteria provided, multiple submitters, no conflicts (2 of 4 stars). 2 submissions from 2 submitters: Uncertain significance (2). Last evaluated 2024-02-28.

Conditions:
Long QT syndrome (LQTS). Identifiers: MedGen C0023976, MeSH D008133, MONDO:0002442. Disease mechanism: loss of function. Inheritance: Various modes of inheritance.
Long QT syndrome 11 (LQT11). Identifiers: Orphanet 101016, Orphanet 768, MedGen C2678483, MONDO:0012738, OMIM 611820.

Allele frequency attached by ClinVar (database versions not stated): gnomAD 0.00001; gnomAD exomes 0.00001; TOPMed 0.00002.
gnomAD v4.1: 23 of 1,612,512 alleles (0.0014%); highest among the groups gnomAD compares: East Asian, 0.0022%; no homozygotes.

Submissions (2):

Fulgent Genetics
Classification: Uncertain significance for Long QT syndrome 11. Last evaluated: 2024-02-28. Review status: criteria provided, single submitter. Criteria: ACMG Guidelines, 2015. Collection method: clinical testing. Allele origin: germline.

Labcorp Genetics (formerly Invitae), Labcorp
Classification: Uncertain significance for Long QT syndrome. Last evaluated: 2022-01-26. Review status: criteria provided, single submitter. Criteria: Invitae Variant Classification Sherloc (09022015). Collection method: clinical testing. Allele origin: germline.
Comment: Algorithms developed to predict the effect of missense changes on protein structure and function are either unavailable or do not agree on the potential impact of this missense change (SIFT: "Tolerated"; PolyPhen-2: "Probably Damaging"; Align-GVGD: "Class C0"). This variant has not been reported in the literature in individuals affected with AKAP9-related conditions. This variant is present in population databases (no rsID available, gnomAD 0.007%). This sequence change replaces glycine, which is neutral and non-polar, with arginine, which is basic and polar, at codon 2906 of the AKAP9 protein (p.Gly2906Arg). Algorithms developed to predict the effect of sequence changes on RNA splicing suggest that this variant may create or strengthen a splice site. In summary, the available evidence is currently insufficient to determine the role of this variant in disease. Therefore, it has been classified as a Variant of Uncertain Significance.

NM_005751.5(AKAP9):c.8716G>A (p.Gly2906Arg)

Gene: AKAP9 (A-kinase anchoring protein 9; plus strand). Cytogenetic location: 7q21.2.
Variant type: single nucleotide variant.
Coding change: c.8716G>A on transcript NM_005751.5 (MANE Select); coding-DNA position 8716, G replaced by A.
Protein change: p.Gly2906Arg; replaces glycine 2906 with arginine.
Molecular consequence: missense variant.
Genome position (GRCh38, 1-based): chr7:92,084,824, G>A. VCF-style: chr7-92084824-G-A. GRCh37 (hg19) VCF-style: chr7-91714138-G-A.
Other names: c.3361G>A, p.Gly1121Arg (NM_001379277.1); c.8692G>A, p.Gly2898Arg (NM_147185.3); short protein forms G2898R, G1121R, G2906R.
Identifiers: ClinVar variation 2053080 (VCV002053080.5), dbSNP rs1317676887, ClinGen allele CA368141052.